The following is an entry in ClinVar:

ClinVar aggregate classification (germline): Likely pathogenic (1 of 4 stars; one submission).

Conditions:
Spermatogenic failure 25. Identifiers: MedGen C4693765, MONDO:0054729, OMIM 617960.

Submission:

First Genomix Gene Laboratory, Genetic Diagnostics Department
Classification: Likely pathogenic for Spermatogenic failure 25. Last evaluated: 2025-01-21. Review status: criteria provided, single submitter. Criteria: ACMG Guidelines, 2015. Collection method: clinical testing. Allele origin: germline. Inheritance: Autosomal recessive inheritance. Affected: no. Observed: 1 variant allele.

NM_001350162.2(TEX15):c.4072_4073del (p.Lys1358fs)

Gene: TEX15 (testis expressed 15, meiosis and synapsis associated; minus strand). Cytogenetic location: 8p12.
Variant type: Deletion.
Coding change: c.4072_4073del on transcript NM_001350162.2 (MANE Select); coding-DNA positions 4072 to 4073, 2 bases deleted (AA; older notation c.4072_4073delAA).
Protein change: p.Lys1358fs; shifts the reading frame from lysine 1358.
Molecular consequence: frameshift variant.
Genome position (GRCh38, 1-based): chr8:30,846,094-30,846,095, TT deleted on the plus strand (AA on the coding strand, the reverse complement: TEX15 is on the minus strand). VCF-style (leftmost placement, unchanged base first): chr8-30846093-CTT-C. GRCh37 (hg19) VCF-style: chr8-30703609-CTT-C.
Other names: c.4072_4073delAA (NM_001350162.2); short protein forms K1358fs.
Identifiers: ClinVar variation 4845718 (VCV004845718.1).